The following is an entry in ClinVar:

ClinVar aggregate classification (germline): Uncertain significance. Review status: criteria provided, multiple submitters, no conflicts (2 of 4 stars). 2 submissions from 2 submitters: Uncertain significance (2). Last evaluated 2026-02-03.

Conditions:
RAI1-related disorder. Also called: RAI1-related condition.

Submissions (2):

PreventionGenetics, part of Exact Sciences
Classification: Uncertain significance for RAI1-related condition. Last evaluated: 2026-02-03. Review status: criteria provided, single submitter. Criteria: ACMG Guidelines, 2015. Collection method: clinical testing. Allele origin: germline.
Comment: The RAI1 c.5186G>C variant is predicted to result in the amino acid substitution p.Cys1729Ser. To our knowledge, this variant has not been reported in the literature. This variant is reported in 0.0062% of alleles in individuals of African descent in gnomAD. At this time, the clinical significance of this variant is uncertain due to the absence of conclusive functional and genetic evidence.

Labcorp Genetics (formerly Invitae), Labcorp
Classification: Uncertain significance. Last evaluated: 2025-08-08. Review status: criteria provided, single submitter. Criteria: Invitae Variant Classification Sherloc (09022015). Collection method: clinical testing. Allele origin: germline.
Comment: This sequence change replaces cysteine, which is neutral and slightly polar, with serine, which is neutral and polar, at codon 1729 of the RAI1 protein (p.Cys1729Ser). This variant is present in population databases (no rsID available, gnomAD 0.007%). This variant has not been reported in the literature in individuals affected with RAI1-related conditions. Invitae Evidence Modeling of protein sequence and biophysical properties (such as structural, functional, and spatial information, amino acid conservation, physicochemical variation, residue mobility, and thermodynamic stability) indicates that this missense variant is not expected to disrupt RAI1 protein function with a negative predictive value of 80%. In summary, the available evidence is currently insufficient to determine the role of this variant in disease. Therefore, it has been classified as a Variant of Uncertain Significance.

NM_030665.4(RAI1):c.5186G>C (p.Cys1729Ser)

Gene: RAI1 (retinoic acid induced 1; plus strand). Cytogenetic location: 17p11.2.
Variant type: single nucleotide variant.
Coding change: c.5186G>C on transcript NM_030665.4 (MANE Select); coding-DNA position 5186, G replaced by C.
Protein change: p.Cys1729Ser; replaces cysteine 1729 with serine.
Molecular consequence: missense variant.
Genome position (GRCh38, 1-based): chr17:17,798,134, G>C. VCF-style: chr17-17798134-G-C. GRCh37 (hg19) VCF-style: chr17-17701448-G-C.
Other names: c.5186G>C (NM_030665.3); short protein forms C1729S.
Identifiers: ClinVar variation 4744949 (VCV004744949.2).
Genomic context (GRCh38, chr17:17,798,134, plus strand): 5'-AACACTGCCTCCCCAAAAAGAAGCCAAAACTCAAGGAGAAGGTGCGGCCAGAAGGCACCT[G>C]TGAGGAGGCCTCGCTGCCGCTTGAGAGAACACTCAAAGGTCCCGAGTGTGCAGCTGCCGC-3'
Protein context (NP_109590.3, residues 1719-1739): LKEKVRPEGT[Cys1729Ser]EEASLPLERT